The following is an entry in ClinVar:

NM_004333.6(BRAF):c.1177+269G>A

Gene: BRAF (B-Raf proto-oncogene, serine/threonine kinase; minus strand). Cytogenetic location: 7q34.
Variant type: single nucleotide variant.
Coding change: c.1177+269G>A on transcript NM_004333.6 (MANE Select); 269 bases into the intron after coding-DNA position 1177, G replaced by A.
Molecular consequence: intron variant.
Genome position (GRCh38, 1-based): chr7:140,787,279, C>T on the plus strand (G>A on the coding strand, the complement: BRAF is on the minus strand). VCF-style: chr7-140787279-C-T. GRCh37 (hg19) VCF-style: chr7-140487079-C-T.
Other names: c.1177+269G>A (NM_001378474.1, NM_001378468.1, NM_001354609.2 and 3 more transcripts); c.1075+269G>A (NM_001378470.1); c.913+269G>A (NM_001378475.1); c.1141-4196G>A (NM_001378471.1); c.1186+269G>A (NM_001378467.1); c.1021+269G>A (NM_001378472.1, NM_001378473.1).
Identifiers: ClinVar variation 561890 (VCV000561890.1), dbSNP rs71645962, ClinGen allele CA168094658.

ClinVar aggregate classification (germline): Benign (1 of 4 stars; one submission).

Allele frequency attached by ClinVar (database versions not stated): 1000 Genomes Project 30x 0.05903; gnomAD 0.05950 and 0.06289; 1000 Genomes Project 0.06150.
gnomAD v4.1: 8,022 of 127,818 alleles (6.3%); highest among the groups gnomAD compares: Middle Eastern, 16%; 264 homozygotes.

Submission:

GeneDx
Classification: Benign. Last evaluated: 2018-06-14. Review status: criteria provided, single submitter. Criteria: GeneDx Variant Classification (06012015). Collection method: clinical testing. Allele origin: germline. Affected: yes.
Comment: This variant is considered likely benign or benign based on one or more of the following criteria: it is a conservative change, it occurs at a poorly conserved position in the protein, it is predicted to be benign by multiple in silico algorithms, and/or has population frequency not consistent with disease.